The following is an entry in ClinVar:

NM_177531.6(PKHD1L1):c.3615C>A (p.Cys1205Ter)

Gene: PKHD1L1 (PKHD1 like 1; plus strand). Cytogenetic location: 8q23.1.
Variant type: single nucleotide variant.
Coding change: c.3615C>A on transcript NM_177531.6 (MANE Select); coding-DNA position 3615, C replaced by A.
Protein change: p.Cys1205Ter; replaces cysteine 1205 with a stop codon.
Molecular consequence: nonsense.
Genome position (GRCh38, 1-based): chr8:109,436,447, C>A. VCF-style: chr8-109436447-C-A. GRCh37 (hg19) VCF-style: chr8-110448676-C-A.
Other names: short protein forms C1205*.
Identifiers: ClinVar variation 4850317 (VCV004850317.1).

ClinVar aggregate classification (germline): Likely pathogenic (1 of 4 stars; one submission).

Conditions:
Autosomal recessive nonsyndromic hearing loss 124. Also called: DEAFNESS, AUTOSOMAL RECESSIVE 124. Identifiers: MedGen C5935612, MONDO:0968981, OMIM 620794.

gnomAD v4.1: 3 of 1,612,156 alleles (0.00019%); highest among the groups gnomAD compares: Middle Eastern, 0.017%; no homozygotes.

Submission:

First Genomix Gene Laboratory, Genetic Diagnostics Department
Classification: Likely pathogenic for Autosomal recessive nonsyndromic hearing loss 124. Last evaluated: 2025-09-15. Review status: criteria provided, single submitter. Criteria: ACMG Guidelines, 2015. Collection method: clinical testing. Allele origin: germline. Inheritance: Autosomal recessive inheritance. Affected: no. Observed: 1 variant allele.